The following is an entry in ClinVar:

NM_004629.2(FANCG):c.781A>G (p.Asn261Asp)

Gene: FANCG (FA complementation group G; minus strand). Cytogenetic location: 9p13.3.
Variant type: single nucleotide variant.
Coding change: c.781A>G on transcript NM_004629.2 (MANE Select); coding-DNA position 781, A replaced by G.
Protein change: p.Asn261Asp; replaces asparagine 261 with aspartic acid.
Molecular consequence: missense variant.
Genome position (GRCh38, 1-based): chr9:35,076,867, T>C on the plus strand (A>G on the coding strand, the complement: FANCG is on the minus strand). VCF-style: chr9-35076867-T-C. GRCh37 (hg19) VCF-style: chr9-35076864-T-C.
Other names: short protein forms N261D.
Identifiers: ClinVar variation 4022464 (VCV004022464.1).

ClinVar aggregate classification (germline): Uncertain significance (1 of 4 stars; one submission).

Conditions:
Inborn genetic diseases. Identifiers: MedGen C0950123, MeSH D030342.

Submission:

Ambry Genetics
Classification: Uncertain significance for Inborn genetic diseases. Last evaluated: 2025-03-27. Review status: criteria provided, single submitter. Criteria: Ambry Variant Classification Scheme 2023. Collection method: clinical testing. Allele origin: germline.
Comment: The p.N261D variant (also known as c.781A>G), located in coding exon 7 of the FANCG gene, results from an A to G substitution at nucleotide position 781. The asparagine at codon 261 is replaced by aspartic acid, an amino acid with highly similar properties. This amino acid position is conserved. In addition, this alteration is predicted to be tolerated by in silico analysis. Based on the available evidence, the clinical significance of this variant remains unclear.